The following is an entry in ClinVar:

NM_001039591.3(USP9X):c.2350del (p.Asp784fs)

Gene: USP9X (ubiquitin specific peptidase 9 X-linked; plus strand). Cytogenetic location: Xp11.4.
Variant type: Deletion.
Coding change: c.2350del on transcript NM_001039591.3 (MANE Select); coding-DNA position 2350, one base deleted (G; older notation c.2350delG).
Protein change: p.Asp784fs; shifts the reading frame from aspartic acid 784.
Molecular consequence: frameshift variant.
Genome position (GRCh38, 1-based): chrX:41,167,503, G deleted. VCF-style (leftmost placement, unchanged base first): chrX-41167502-TG-T. GRCh37 (hg19) VCF-style: chrX-41026755-TG-T.
Other names: c.2350del, p.Asp784fs (NM_001039590.3); c.2365del, p.Asp789fs (NM_001410748.1, NM_001410749.1); short protein forms D784fs, D789fs.
Identifiers: ClinVar variation 3765596 (VCV003765596.1).

ClinVar aggregate classification (germline): Likely pathogenic (1 of 4 stars; one submission).

Conditions:
Intellectual developmental disorder, X-linked 99, syndromic, female-restricted. Also called: Intellectual disability, X-linked 99, syndromic, female-restricted. Identifiers: MedGen C4225416, MONDO:0010502, OMIM 300968.

Submission:

Greenwood Genetic Center Diagnostic Laboratories, Greenwood Genetic Center
Classification: Likely pathogenic for Intellectual developmental disorder, X-linked 99, syndromic, female-restricted. Last evaluated: 2024-08-19. Review status: criteria provided, single submitter. Criteria: ACMG Guidelines, 2015. Collection method: clinical testing. Allele origin: germline. Affected: yes.
Comment: PVS1, PM2